The following is an entry in ClinVar:

NM_000142.5(FGFR3):c.739+16C>T

Gene: FGFR3 (fibroblast growth factor receptor 3; plus strand). Cytogenetic location: 4p16.3.
Variant type: single nucleotide variant.
Coding change: c.739+16C>T on transcript NM_000142.5 (MANE Select); 16 bases into the intron after coding-DNA position 739, C replaced by T.
Molecular consequence: intron variant.
Genome position (GRCh38, 1-based): chr4:1,801,759, C>T. VCF-style: chr4-1801759-C-T. GRCh37 (hg19) VCF-style: chr4-1803486-C-T.
Other names: c.739+16C>T (NM_001163213.2, NM_001354809.2, NM_001354810.2 and 1 more transcripts).
Identifiers: ClinVar variation 514441 (VCV000514441.11), dbSNP rs757999433, ClinGen allele CA2809939.

ClinVar aggregate classification (germline): Likely benign. Review status: criteria provided, multiple submitters, no conflicts (2 of 4 stars). 5 submissions from 5 submitters: Likely benign (5). Last evaluated 2025-07-13.

Allele frequency attached by ClinVar (database versions not stated): ExAC 0.00004; gnomAD exomes 0.00004 and 0.00005; TOPMed 0.00006; gnomAD 0.00008 and 0.00009.
gnomAD v4.1: 67 of 1,383,758 alleles (0.0048%); highest among the groups gnomAD compares: Admixed American, 0.016%; no homozygotes.

Submissions (5):

Labcorp Genetics (formerly Invitae), Labcorp
Classification: Likely benign. Last evaluated: 2025-07-13. Review status: criteria provided, single submitter. Criteria: Invitae Variant Classification Sherloc (09022015). Collection method: clinical testing. Allele origin: germline.

Women's Health and Genetics/Laboratory Corporation of America, LabCorp
Classification: Likely benign. Last evaluated: 2025-05-23. Review status: criteria provided, single submitter. Criteria: LabCorp Variant Classification Summary - May 2015. Collection method: clinical testing. Allele origin: germline.

Blueprint Genetics
Classification: Likely benign. Last evaluated: 2024-09-09. Review status: criteria provided, single submitter. Criteria: ACMG Guidelines, 2015. Collection method: clinical testing. Allele origin: germline.

ARUP Laboratories, Molecular Genetics and Genomics, ARUP Laboratories
Classification: Likely benign. Last evaluated: 2023-06-12. Review status: criteria provided, single submitter. Criteria: ARUP Molecular Germline Variant Investigation Process 2024. Collection method: clinical testing. Allele origin: germline.

GeneDx
Classification: Likely benign. Last evaluated: 2017-12-28. Review status: criteria provided, single submitter. Criteria: GeneDx Variant Classification (06012015). Collection method: clinical testing. Allele origin: germline. Affected: yes.
Comment: This variant is considered likely benign or benign based on one or more of the following criteria: it is a conservative change, it occurs at a poorly conserved position in the protein, it is predicted to be benign by multiple in silico algorithms, and/or has population frequency not consistent with disease.